The following is an entry in ClinVar:

ClinVar aggregate classification (germline): Uncertain significance (1 of 4 stars; one submission).

Submission:

GeneDx
Classification: Uncertain significance. Last evaluated: 2023-04-12. Review status: criteria provided, single submitter. Criteria: GeneDx Variant Classification Process June 2021. Collection method: clinical testing. Allele origin: germline. Affected: yes.
Comment: Not observed at significant frequency in large population cohorts (gnomAD); In silico analysis supports that this missense variant has a deleterious effect on protein structure/function; Has not been previously published as pathogenic or benign to our knowledge

NM_005618.4(DLL1):c.965G>T (p.Gly322Val)

Gene: DLL1 (delta like canonical Notch ligand 1; minus strand). Cytogenetic location: 6q27.
Variant type: single nucleotide variant.
Coding change: c.965G>T on transcript NM_005618.4 (MANE Select); coding-DNA position 965, G replaced by T.
Protein change: p.Gly322Val; replaces glycine 322 with valine.
Molecular consequence: missense variant.
Genome position (GRCh38, 1-based): chr6:170,285,321, C>A on the plus strand (G>T on the coding strand, the complement: DLL1 is on the minus strand). VCF-style: chr6-170285321-C-A. GRCh37 (hg19) VCF-style: chr6-170594409-C-A.
Other names: short protein forms G322V.
Identifiers: ClinVar variation 1708745 (VCV001708745.3), dbSNP rs2483351589, ClinGen allele CA366508335.
Genomic context (GRCh38, chr6:170,285,321, plus strand): 5'-CTCCCTCCGTTCTTACAAGGGCTGGGGTCACACTCGTCAATCCCCAGCTCGCAGGTGGCA[C>A]CTGTGTACCCAGGCCGGCAAGAGCAAGTGTAGCTCCCCTGGCCCGTGTTGGTGCAGGTGG-3'
Protein context (NP_005609.3, residues 312-332): YTCSCRPGYT[Gly322Val]ATCELGIDEC